The following is an entry in ClinVar:

ClinVar aggregate classification (germline): Conflicting classifications of pathogenicity. Review status: criteria provided, conflicting classifications (1 of 4 stars). 3 submissions from 3 submitters: Uncertain significance (1); Likely benign (2). Last evaluated 2025-10-31.

Allele frequency attached by ClinVar (database versions not stated): ESP Exome Variant Server 0.00008; gnomAD exomes 0.00018; gnomAD 0.00022 and 0.00023; TOPMed 0.00023; ExAC 0.00013.

Submissions (3):

Mayo Clinic Laboratories, Mayo Clinic
Classification: Likely benign. Last evaluated: 2025-10-31. Review status: criteria provided, single submitter. Criteria: ACMG Guidelines, 2015. Collection method: clinical testing. Allele origin: germline. Observed: 2 variant alleles.
Comment: BP4, BP7

Labcorp Genetics (formerly Invitae), Labcorp
Classification: Likely benign. Last evaluated: 2023-08-04. Review status: criteria provided, single submitter. Criteria: Invitae Variant Classification Sherloc (09022015). Collection method: clinical testing. Allele origin: germline.

Eurofins Ntd Llc (ga)
Classification: Uncertain significance. Last evaluated: 2018-02-09. Review status: criteria provided, single submitter. Criteria: EGL ClinVar v180209 classification definitions. Collection method: clinical testing. Allele origin: germline. Observed: 3 variant alleles, 3 heterozygotes.

NM_001206979.2(NR1H4):c.438G>A (p.Gly146=)

Gene: NR1H4 (nuclear receptor subfamily 1 group H member 4; plus strand). Cytogenetic location: 12q23.1.
Variant type: single nucleotide variant.
Coding change: c.438G>A on transcript NM_001206979.2 (MANE Select); coding-DNA position 438, G replaced by A.
Protein change: p.Gly146=; no amino-acid change (glycine 146 retained).
Molecular consequence: synonymous variant. On other transcripts: non-coding transcript variant (1).
Genome position (GRCh38, 1-based): chr12:100,511,136, G>A. VCF-style: chr12-100511136-G-A. GRCh37 (hg19) VCF-style: chr12-100904914-G-A.
Other names: p.Gly146=; c.438G>A, p.Gly146= (NM_001206977.2, NM_001206978.2, NM_005123.4); c.468G>A, p.Gly156= (NM_001206992.2, NM_001206993.2).
Identifiers: ClinVar variation 288346 (VCV000288346.14), dbSNP rs137946171, ClinGen allele CA6739236.